The following is an entry in ClinVar:

NM_017617.5(NOTCH1):c.65C>G (p.Pro22Arg)

Gene: NOTCH1 (notch receptor 1; minus strand). Cytogenetic location: 9q34.3.
Variant type: single nucleotide variant.
Coding change: c.65C>G on transcript NM_017617.5 (MANE Select); coding-DNA position 65, C replaced by G.
Protein change: p.Pro22Arg; replaces proline 22 with arginine.
Molecular consequence: missense variant.
Genome position (GRCh38, 1-based): chr9:136,544,099, G>C on the plus strand (C>G on the coding strand, the complement: NOTCH1 is on the minus strand). VCF-style: chr9-136544099-G-C. GRCh37 (hg19) VCF-style: chr9-139438551-G-C.
Other names: short protein forms P22R.
Identifiers: ClinVar variation 3011128 (VCV003011128.3), dbSNP rs769046407, ClinGen allele CA375579341.
Genomic context (GRCh38, chr9:136,544,099, plus strand): 5'-CCATTGGCCGCTTCACACTTCCCGCCATTCAGGCAGGTCTCACCGGGCTGGGAGCATCGC[G>C]GGCCTAGGCAGGGGCAGGAGAAGAGAGGTCAGTCTCACCCGCACCACCACCACCGAAGGC-3'
Protein context (NP_060087.3, residues 12-32): ALLPALAARG[Pro22Arg]RCSQPGETCL

ClinVar aggregate classification (germline): Uncertain significance (1 of 4 stars; one submission).

Conditions:
Adams-Oliver syndrome 5 (AOS5). Identifiers: Orphanet 974, MedGen C4014970, MONDO:0014459, OMIM 616028.

gnomAD v4.1: 1 of 1,572,548 alleles (0.000064%); highest among the groups gnomAD compares: African/African-American, 0.0014%; no homozygotes.

Submission:

Labcorp Genetics (formerly Invitae), Labcorp
Classification: Uncertain significance for Adams-Oliver syndrome 5. Last evaluated: 2023-07-13. Review status: criteria provided, single submitter. Criteria: Invitae Variant Classification Sherloc (09022015). Collection method: clinical testing. Allele origin: germline.
Comment: This sequence change replaces proline, which is neutral and non-polar, with arginine, which is basic and polar, at codon 22 of the NOTCH1 protein (p.Pro22Arg). This variant is not present in population databases (gnomAD no frequency). This variant has not been reported in the literature in individuals affected with NOTCH1-related conditions. Advanced modeling of protein sequence and biophysical properties (such as structural, functional, and spatial information, amino acid conservation, physicochemical variation, residue mobility, and thermodynamic stability) performed at Invitae indicates that this missense variant is not expected to disrupt NOTCH1 protein function. In summary, the available evidence is currently insufficient to determine the role of this variant in disease. Therefore, it has been classified as a Variant of Uncertain Significance.